The following continues an entry in ClinVar:

NM_024675.4(PALB2):c.3549C>A (p.Tyr1183Ter)

Gene: PALB2. ClinVar aggregate classification (germline): Pathogenic. Pathogenic (1).

Submissions 8 to 19 of 28:

Ambry Genetics
Classification: Pathogenic for Hereditary cancer-predisposing syndrome. Last evaluated: 2025-04-08. Review status: criteria provided, single submitter. Criteria: Ambry Variant Classification Scheme 2023. Collection method: clinical testing. Allele origin: germline. Not counted in ClinVar's aggregate classification.
Comment: The p.Y1183* pathogenic mutation (also known as c.3549C>A), located in coding exon 13 of the PALB2 gene, results from a C to A substitution at nucleotide position 3549. This changes the amino acid from a tyrosine to a stop codon within exon 13. This alteration occurs at the 3' terminus of PALB2 gene, is not expected to trigger nonsense-mediated mRNA decay, and only impacts the last four amino acids of the protein. However, premature stop codons are typically deleterious in nature and the impacted region is critical for protein function (Ambry internal data). The p.Y1183* mutation has been identified with a PALB2 pathogenic variant in multiple individuals with clinical features of Fanconi Anemia-N (FA-N) (Reid S et al. Nat. Genet. 2007 Feb;39:162-4). Lymphoblastoid cells from at least one of these patients was found to have no detectable PALB2 protein (Reid S et al. Nat. Genet. 2007 Feb;39:162-4). Truncations at this position have been reported in multiple familial breast cancer kindreds to date (Rahman N et al. Nat. Genet. 2007 Feb;39:165-7; Hofstatter EW et al. Fam. Cancer. 2011 Jun;10:225-31; Tischkowitz M et al. Hum. Mutat. 2012 Apr;33:674-80). This alteration was also identified in 4/10030 consecutive breast cancer patients referred for evaluation by an NGS hereditary cancer panel (Susswein LR et al. Genet. Med. 2016 Aug;18:823-32). Based on the supporting evidence, this alteration is interpreted as a disease-causing mutation.

Quest Diagnostics Nichols Institute San Juan Capistrano
Classification: Pathogenic. Last evaluated: 2024-09-12. Review status: criteria provided, single submitter. Criteria: Quest Diagnostics criteria. Collection method: clinical testing. Allele origin: unknown. Not counted in ClinVar's aggregate classification.
Comment: The PALB2 c.3549C>A (p.Tyr1183*) variant alters the translational reading frame of the PALB2 mRNA and causes the premature termination of PALB2 protein synthesis. This variant has been reported in the published literature in individuals with breast, ovarian and pancreatic cancer (PMID: 26681312 (2015), 26315354 (2015), 26296701 (2015), 25099575 (2014), 21365267 (2011), 19264984 (2009)). Additionally, functional evidence suggests that this variant may impact protein function (PMID: 31757951 (2019)). The frequency of this variant in the general population, 0.000004 (1/251420 chromosomes (Genome Aggregation Database)), is consistent with pathogenicity. Based on the available information, this variant is classified as pathogenic.

Color Diagnostics, LLC DBA Color Health
Classification: Pathogenic for Hereditary cancer-predisposing syndrome. Last evaluated: 2024-05-13. Review status: criteria provided, single submitter. Criteria: ACMG Guidelines, 2015. Collection method: clinical testing. Allele origin: germline. Not counted in ClinVar's aggregate classification.
Comment: This variant changes 1 nucleotide in exon 13 of the PALB2 gene, creating a premature translation stop signal. Functional studies have shown that the PALB2 protein is not detectable in a carrier of this variant (PMID: 17200671) and is predicted to disrupt the WD40 repeats domain (PMID: 19609323). This variant has been reported in over ten individuals affected with breast or ovarian cancer (PMID: 20927582, 25099575, 26296701, 26315354, 26681312, 26641009). This variant (c.3549C>A) and a different nucleotide change resulting in the same protein consequence (c.3549C>G) have been observed in three individuals diagnosed with Fanconi anemia who also carried different pathogenic variants in the same gene (PMID: 17200671). This variant has been identified in 1/251420 chromosomes in the general population by the Genome Aggregation Database (gnomAD). Loss of PALB2 function is a known mechanism of disease. Based on the available evidence, this variant is classified as Pathogenic.

Baylor Genetics
Classification: Pathogenic for Familial cancer of breast. Last evaluated: 2024-03-28. Review status: criteria provided, single submitter. Criteria: ACMG Guidelines, 2015. Collection method: clinical testing. Allele origin: unknown. Not counted in ClinVar's aggregate classification.

Institute of Human Genetics, University of Leipzig Medical Center
Classification: Pathogenic for Breast-ovarian cancer, familial, susceptibility to, 1. Last evaluated: 2023-12-28. Review status: criteria provided, single submitter. Criteria: ACMG Guidelines, 2015. Collection method: clinical testing. Allele origin: maternal. Inheritance: Autosomal dominant inheritance. Affected: yes. Not counted in ClinVar's aggregate classification.
Comment: Criteria applied: PVS1,PS1,PS4

Institute of Human Genetics, University of Leipzig Medical Center
Classification: Pathogenic for Familial cancer of breast. Last evaluated: 2023-11-23. Review status: criteria provided, single submitter. Criteria: ACMG Guidelines, 2015. Collection method: clinical testing. Allele origin: maternal. Inheritance: Autosomal dominant inheritance. Affected: yes. Not counted in ClinVar's aggregate classification.
Comment: Criteria applied: PVS1, PS1_MOD, PM2_SUP

Myriad Genetics, Inc.
Classification: Pathogenic for Familial cancer of breast. Last evaluated: 2023-03-31. Review status: criteria provided, single submitter. Criteria: Myriad Autosomal Dominant, Autosomal Recessive and X-Linked Classification Criteria (2023). Collection method: clinical testing. Allele origin: unknown. Not counted in ClinVar's aggregate classification.
Comment: This variant is considered pathogenic. This variant creates a termination codon and is predicted to result in premature protein truncation.

Department of Pathology and Laboratory Medicine, Sinai Health System
Classification: Pathogenic for Fanconi anemia complementation group N; Pancreatic cancer, susceptibility to, 3; Breast-ovarian cancer, familial, susceptibility to, 5. Last evaluated: 2022-04-27. Review status: criteria provided, single submitter. Criteria: ACMG Guidelines, 2015. Collection method: clinical testing. Allele origin: germline. Affected: no. Not counted in ClinVar's aggregate classification.

GeneDx
Classification: Pathogenic. Last evaluated: 2022-03-17. Review status: criteria provided, single submitter. Criteria: GeneDx Variant Classification Process June 2021. Collection method: clinical testing. Allele origin: germline. Affected: yes. Not counted in ClinVar's aggregate classification.
Comment: Nonsense variant predicted to result in protein truncation in a gene for which loss-of-function is a known mechanism of disease; Reported in multiple individuals with PALB2-related cancers (Rahman 2007, Ding 2011, Hofstatter 2011, Antoniou 2014, Ellingson 2015, Ramus 2015).; Not observed at a significant frequency in large population cohorts (gnomAD); This variant is associated with the following publications: (PMID: 26296701, 19763819, 26596371, 27356891, 21618343, 21365267, 20927582, 28873162, 19584259, 17200671, 25225577, 18053174, 21153565, 18302019, 23935381, 19609323, 17200668, 21165770, 26315354, 19464302, 24998779, 25099575, 26681312, 26641009, 24728327, 28008555, 29387807, 28152038, 26283626, 19264984, 29785153, 31948886, 32546565, 31589614, 33403473, 33882707, 33420229)

Fulgent Genetics
Classification: Pathogenic for Familial cancer of breast; Fanconi anemia complementation group N; Pancreatic cancer, susceptibility to, 3. Last evaluated: 2022-02-15. Review status: criteria provided, single submitter. Criteria: ACMG Guidelines, 2015. Collection method: clinical testing. Allele origin: unknown. Not counted in ClinVar's aggregate classification.

Sema4
Classification: Pathogenic for Hereditary cancer-predisposing syndrome. Last evaluated: 2021-06-05. Review status: criteria provided, single submitter. Criteria: Sema4 Curation Guidelines. Collection method: curation. Allele origin: germline. Not counted in ClinVar's aggregate classification.
Comment: The PALB2 c.3549C>A (p.Y1183X) variant has been reported in heterozygosity in at least 6 individuals with breast cancer (PMID: 26681312, 21365267, 26296701). One individual also had pancreatic cancer and the variant segregated in a relative with pancreatic cancer (PMID 21365267). Pathogenic variants in PALB2 also cause autosomal recessive Fanconi anemia. This variant has been detected in compound heterozygosity in at least 1 individual with Fanconi Anemia (PMID: 17200671). Based on the genomic location of the variant, this variant is not predicted to cause nonsense-mediated decay but the protein product is expected to be truncated. However immunoblot from patient cells showed an absence of PALB2 protein (PMID 17200671). This variant was observed in 1/113726 chromosomes in the Non-Finnish European population, according to the Genome Aggregation Database (PMID: 32461654). This variant has been reported in ClinVar (Variation ID: 128144). A different nucleotide change resulting in the same amino acid change, c.3549C>G (p.Y1183X), has been reported in individuals affected with breast, ovarian, or pancreatic cancer (PMID: 26681312, 29360161, 31159747, 32339256) as well as compound heterozygous and homozygous individuals with Fanconi Anemia (PMID 32461654). Based on the current evidence available, this variant is interpreted as pathogenic.

Greenwood Genetic Center Diagnostic Laboratories, Greenwood Genetic Center
Classification: Pathogenic. Last evaluated: 2021-03-05. Review status: criteria provided, single submitter. Criteria: ACMG Guidelines, 2015. Collection method: clinical testing. Allele origin: germline. Affected: yes. Not counted in ClinVar's aggregate classification.
Comment: PS3, PS4, PM2, PM3